The following is an entry in ClinVar:

ClinVar aggregate classification (germline): Uncertain significance (1 of 4 stars; one submission).

Allele frequency attached by ClinVar (database versions not stated): gnomAD exomes below 0.00001.
gnomAD v4.1: 1 of 1,597,312 alleles (0.000063%); highest among the groups gnomAD compares: Non-Finnish European, 0.000085%; no homozygotes.

Submission:

Labcorp Genetics (formerly Invitae), Labcorp
Classification: Uncertain significance. Last evaluated: 2022-03-18. Review status: criteria provided, single submitter. Criteria: Invitae Variant Classification Sherloc (09022015). Collection method: clinical testing. Allele origin: germline.
Comment: This sequence change replaces alanine, which is neutral and non-polar, with serine, which is neutral and polar, at codon 392 of the MPDZ protein (p.Ala392Ser). The frequency data for this variant in the population databases is considered unreliable, as metrics indicate poor data quality at this position in the gnomAD database. This variant has not been reported in the literature in individuals affected with MPDZ-related conditions. Algorithms developed to predict the effect of missense changes on protein structure and function (SIFT, PolyPhen-2, Align-GVGD) all suggest that this variant is likely to be disruptive. In summary, the available evidence is currently insufficient to determine the role of this variant in disease. Therefore, it has been classified as a Variant of Uncertain Significance.

NM_001378778.1(MPDZ):c.1174G>T (p.Ala392Ser)

Gene: MPDZ (multiple PDZ domain crumbs cell polarity complex component; minus strand). Cytogenetic location: 9p23.
Variant type: single nucleotide variant.
Coding change: c.1174G>T on transcript NM_001378778.1 (MANE Select); coding-DNA position 1174, G replaced by T.
Protein change: p.Ala392Ser; replaces alanine 392 with serine.
Molecular consequence: missense variant.
Genome position (GRCh38, 1-based): chr9:13,217,207, C>A on the plus strand (G>T on the coding strand, the complement: MPDZ is on the minus strand). VCF-style: chr9-13217207-C-A. GRCh37 (hg19) VCF-style: chr9-13217206-C-A.
Other names: c.1174G>T, p.Ala392Ser (NM_001261407.2, NM_001330637.2, NM_001375413.1 and 14 more transcripts); short protein forms A392S.
Identifiers: ClinVar variation 2020450 (VCV002020450.4), dbSNP rs1564056425, ClinGen allele CA372944779.